The following is an entry in ClinVar:

ClinVar aggregate classification (germline): Benign. Review status: criteria provided, multiple submitters, no conflicts (2 of 4 stars). 2 submissions from 2 submitters: Benign (2). Last evaluated 2018-06-14.

Allele frequency attached by ClinVar (database versions not stated): 1000 Genomes Project 30x 0.26749; 1000 Genomes Project 0.26837; gnomAD exomes 0.28639 and 0.29957; ExAC 0.28868; TOPMed 0.31046; gnomAD 0.31205 and 0.31689; ESP Exome Variant Server 0.31985.

Submissions (2):

GeneDx
Classification: Benign. Last evaluated: 2018-06-14. Review status: criteria provided, single submitter. Criteria: GeneDx Variant Classification (06012015). Collection method: clinical testing. Allele origin: germline. Affected: yes.
Comment: This variant is considered likely benign or benign based on one or more of the following criteria: it is a conservative change, it occurs at a poorly conserved position in the protein, it is predicted to be benign by multiple in silico algorithms, and/or has population frequency not consistent with disease.

Breakthrough Genomics
Classification: Benign. Review status: criteria provided, single submitter. Criteria: ACMG Guidelines, 2015. Collection method: not provided. Allele origin: germline. Inheritance: Autosomal recessive inheritance. Affected: yes.

NM_001351169.2(NT5C2):c.813+26C>T

Gene: NT5C2 (5'-nucleotidase, cytosolic II; minus strand). Cytogenetic location: 10q24.32.
Variant type: single nucleotide variant.
Coding change: c.813+26C>T on transcript NM_001351169.2 (MANE Select); 26 bases into the intron after coding-DNA position 813, C replaced by T.
Molecular consequence: intron variant.
Genome position (GRCh38, 1-based): chr10:103,095,913, G>A on the plus strand (C>T on the coding strand, the complement: NT5C2 is on the minus strand). VCF-style: chr10-103095913-G-A. GRCh37 (hg19) VCF-style: chr10-104855670-G-A.
Other names: c.726+26C>T (NM_001351174.1); c.240+26C>T (NM_001351191.1, NM_001351192.1, NM_001351193.1 and 16 more transcripts); c.99+26C>T (NM_001351194.2, NM_001351195.2, NM_001351196.2); c.813+26C>T (NM_001134373.3, NM_012229.5); c.837+26C>T (NM_001351170.2, NM_001351171.2, NM_001351172.2 and 1 more transcripts); c.720+26C>T (NM_001351175.2).
Identifiers: ClinVar variation 667734 (VCV000667734.2), dbSNP rs1926029, ClinGen allele CA5670935.
Genomic context (GRCh38, chr10:103,095,913, plus strand): 5'-ACCAATTCTTTCCCCCTTAATATTCCAGAATGATTAAATGCATTCATTGTTATTAAAGCA[G>A]TGGTCTATTGAGTCACATACGGTACCTTGGGGCCATGTGGGAAGTCAAACAGGTAAGTCA-3'